The following is an entry in ClinVar:

ClinVar aggregate classification (germline): Pathogenic/Likely pathogenic. Review status: criteria provided, multiple submitters, no conflicts (2 of 4 stars). 3 submissions from 3 submitters: Pathogenic (1); Likely pathogenic (2). Last evaluated 2025-02-04.

Conditions:
Diamond-Blackfan anemia. Also called: Blackfan Diamond syndrome; Aregenerative anemia chronic congenital; Red cell aplasia, pure hereditary; Congenital hypoplastic anemia; Aase syndrome. Identifiers: Orphanet 124, MedGen C1260899, MeSH D029503, MONDO:0015253, HP:0004810.
Diamond-Blackfan anemia 6 (DBA6). Also called: RPL5-Related Diamond-Blackfan Anemia. Identifiers: Orphanet 124, MedGen C2931850, MONDO:0012937, OMIM 612561.

Submissions (3):

Labcorp Genetics (formerly Invitae), Labcorp
Classification: Likely pathogenic for Diamond-Blackfan anemia. Last evaluated: 2025-02-04. Review status: criteria provided, single submitter. Criteria: Invitae Variant Classification Sherloc (09022015). Collection method: clinical testing. Allele origin: germline.
Comment: This sequence change affects a donor splice site in intron 1 of the RPL5 gene. It is expected to disrupt RNA splicing. Variants that disrupt the donor or acceptor splice site typically lead to a loss of protein function (PMID: 16199547), and loss-of-function variants in RPL5 are known to be pathogenic (PMID: 19061985, 19773262). This variant is not present in population databases (gnomAD no frequency). Disruption of this splice site has been observed in individual(s) with Diamond-Blackfan anemia (PMID: 28102861, 30503522). ClinVar contains an entry for this variant (Variation ID: 1803120). Algorithms developed to predict the effect of sequence changes on RNA splicing suggest that this variant may disrupt the consensus splice site. In summary, the currently available evidence indicates that the variant is pathogenic, but additional data are needed to prove that conclusively. Therefore, this variant has been classified as Likely Pathogenic.

Revvity Omics, Revvity
Classification: Pathogenic for Diamond-Blackfan anemia 6. Last evaluated: 2023-05-04. Review status: criteria provided, single submitter. Criteria: ACMG Guidelines, 2015. Collection method: clinical testing. Allele origin: germline.

Genetics and Molecular Pathology, SA Pathology
Classification: Likely pathogenic for Diamond-Blackfan anemia 6. Last evaluated: 2021-05-26. Review status: criteria provided, single submitter. Criteria: ACMG Guidelines, 2015. Collection method: clinical testing. Allele origin: germline. Inheritance: Autosomal dominant inheritance. Affected: yes.

Literature cited by the submitters: PubMed 16199547 (cited by Labcorp Genetics (formerly Invitae), Labcorp); PubMed 19061985 (cited by Labcorp Genetics (formerly Invitae), Labcorp); PubMed 19773262 (cited by Labcorp Genetics (formerly Invitae), Labcorp); PubMed 28102861 (cited by Labcorp Genetics (formerly Invitae), Labcorp); PubMed 30503522 (cited by Labcorp Genetics (formerly Invitae), Labcorp).

NM_000969.5(RPL5):c.3+1G>A

Gene: RPL5 (ribosomal protein L5; plus strand). Cytogenetic location: 1p22.1.
Variant type: single nucleotide variant.
Coding change: c.3+1G>A on transcript NM_000969.5 (MANE Select); the canonical splice donor site of the intron after coding-DNA position 3, G replaced by A.
Molecular consequence: splice donor variant.
Genome position (GRCh38, 1-based): chr1:92,832,118, G>A. VCF-style: chr1-92832118-G-A. GRCh37 (hg19) VCF-style: chr1-93297675-G-A.
Identifiers: ClinVar variation 1803120 (VCV001803120.6), dbSNP rs2524440268, ClinGen allele CA341240579.